The following is an entry in ClinVar:

ClinVar aggregate classification (germline): Likely pathogenic (1 of 4 stars; one submission).

Conditions:
Glycogen storage disease, type VII (GSD7). Also called: MUSCLE PHOSPHOFRUCTOKINASE DEFICIENCY; PFKM DEFICIENCY; TARUI DISEASE; GSD VII. Identifiers: Orphanet 371, MedGen C0017926, MONDO:0009295, OMIM 232800.

Submission:

Natera, Inc.
Classification: Likely pathogenic for Glycogen storage disease type VII. Last evaluated: 2024-10-28. Review status: criteria provided, single submitter. Criteria: Natera Variant Classification Schema (03/2026). Collection method: clinical testing. Allele origin: germline.
Comment: The c.2092+1G>C variant in PFKM is a canonical splice donor site variant predicted to affect pre-mRNA splicing, which may result in an abnormal transcript and altered protein product. This variant is expected to result in nonsense mediated decay, truncation, or a dysfunctional protein product. This variant is rare in the general population with a frequency below the threshold expected for the associated phenotype(s). Given the available evidence, this variant is classified as Likely Pathogenic.

NM_000289.6(PFKM):c.2092+1G>C

Gene: PFKM (phosphofructokinase, muscle; plus strand). Cytogenetic location: 12q13.11.
Variant type: single nucleotide variant.
Coding change: c.2092+1G>C on transcript NM_000289.6 (MANE Select); the canonical splice donor site of the intron after coding-DNA position 2092, G replaced by C.
Molecular consequence: splice donor variant.
Genome position (GRCh38, 1-based): chr12:48,145,131, G>C. VCF-style: chr12-48145131-G-C. GRCh37 (hg19) VCF-style: chr12-48538914-G-C.
Other names: c.2116+1G>C (NM_001354741.2); c.2092+1G>C (NM_001354742.2, NM_001354743.2, NM_001354744.2 and 2 more transcripts); c.1942+1G>C (NM_001354747.2, NM_001354748.2); c.2305+1G>C (NM_001166686.2, NM_001354737.1, NM_001354739.1 and 1 more transcripts); c.2212+1G>C (NM_001439058.1); c.2401+1G>C (NM_001354736.1, NM_001354735.1); c.2236+1G>C (NM_001354740.1); c.2005+1G>C (NM_001354745.2); and 2 more.
Identifiers: ClinVar variation 4818137 (VCV004818137.1).
Genomic context (GRCh38, chr12:48,145,131, plus strand): 5'-AGATGGGCGCCAAGGCTATGAACTGGATGTCTGGGAAAATCAAAGAGAGTTACCGTAATG[G>C]TAGGTGGGGTGAGAGCGAGTGCCCTCTATAGAGGCTGGTTCCCCAGTATAGAAGCTGACT-3'